The following is an entry in ClinVar:

ClinVar aggregate classification (germline): Conflicting classifications of pathogenicity. Review status: criteria provided, conflicting classifications (1 of 4 stars). 2 submissions from 2 submitters: Pathogenic (1); Uncertain significance (1). Last evaluated 2023-08-10.

Submissions (2):

Labcorp Genetics (formerly Invitae), Labcorp
Classification: Pathogenic. Last evaluated: 2023-08-10. Review status: criteria provided, single submitter. Criteria: Invitae Variant Classification Sherloc (09022015). Collection method: clinical testing. Allele origin: germline.
Comment: This sequence change creates a premature translational stop signal (p.Arg316Glufs*22) in the EXOC6B gene. It is expected to result in an absent or disrupted protein product. Loss-of-function variants in EXOC6B are known to be pathogenic (PMID: 26669664, 36150098). This variant is not present in population databases (gnomAD no frequency). This variant has not been reported in the literature in individuals affected with EXOC6B-related conditions. ClinVar contains an entry for this variant (Variation ID: 1487322). For these reasons, this variant has been classified as Pathogenic.

GeneDx
Classification: Uncertain significance. Last evaluated: 2022-01-18. Review status: criteria provided, single submitter. Criteria: GeneDx Variant Classification Process June 2021. Collection method: clinical testing. Allele origin: germline. Affected: yes.
Comment: Frameshift variant predicted to result in protein truncation or nonsense mediated decay in a gene for which loss-of-function is not a known mechanism of disease; Not observed at significant frequency in large population cohorts (gnomAD); Has not been previously published as pathogenic or benign to our knowledge; Variants in candidate genes are classified as variants of uncertain significance in accordance with ACMG guidelines (Richards et al., 2015)

Literature cited by the submitters: PubMed 26669664 (cited by Labcorp Genetics (formerly Invitae), Labcorp); PubMed 36150098 (cited by Labcorp Genetics (formerly Invitae), Labcorp).

NM_015189.3(EXOC6B):c.946del (p.Arg316fs)

Gene: EXOC6B (exocyst complex component 6B; minus strand). Cytogenetic location: 2p13.2.
Variant type: Deletion.
Coding change: c.946del on transcript NM_015189.3 (MANE Select); coding-DNA position 946, one base deleted (C; older notation c.946delC).
Protein change: p.Arg316fs; shifts the reading frame from arginine 316.
Molecular consequence: frameshift variant. On other transcripts: non-coding transcript variant (2).
Genome position (GRCh38, 1-based): chr2:72,515,096, G deleted on the plus strand (C on the coding strand, the reverse complement: EXOC6B is on the minus strand); the first of 2 consecutive G bases (chr2:72,515,096-72,515,097); deleting either gives the same sequence. VCF-style (leftmost placement, unchanged base first): chr2-72515095-CG-C. GRCh37 (hg19) VCF-style: chr2-72742224-CG-C.
Other names: c.946del (NM_015189.2); c.946del, p.Arg316fs (NM_001321729.2, NM_001321730.2, NM_001321731.2 and 1 more transcripts); c.607del, p.Arg203fs (NM_001321734.2); short protein forms R316fs, R203fs.
Identifiers: ClinVar variation 1487322 (VCV001487322.8), dbSNP rs2105685436, ClinGen allele CA2573135733.
Genomic context (GRCh38, chr2:72,515,095, plus strand): 5'-AATCCTACCATGTTAGATGGAGGTTGAAGTACCAAACGAGCCTGTTTTCGCCTCTGTTTT[CG>C]GTAGTAATTCTCAAATGTTTCCCGGGCACCCTGTAAATAAAGAAAAGAAAATGGGTTGAC-3'